The following is an entry in ClinVar:

NM_017882.3(CLN6):c.-34G>A

Gene: CLN6 (CLN6 transmembrane ER protein; minus strand). Cytogenetic location: 15q23.
Variant type: single nucleotide variant.
Coding change: c.-34G>A on transcript NM_017882.3 (MANE Select); 34 bases upstream of the start codon, G replaced by A.
Molecular consequence: 5 prime UTR variant.
Genome position (GRCh38, 1-based): chr15:68,229,618, C>T on the plus strand (G>A on the coding strand, the complement: CLN6 is on the minus strand). VCF-style: chr15-68229618-C-T. GRCh37 (hg19) VCF-style: chr15-68521956-C-T.
Identifiers: ClinVar variation 515073 (VCV000515073.1), dbSNP rs971420018, ClinGen allele CA272398430.

ClinVar aggregate classification (germline): Likely benign (1 of 4 stars; one submission).

Allele frequency attached by ClinVar (database versions not stated): gnomAD 0.00001; 1000 Genomes Project 30x 0.00016.
gnomAD v4.1: 2 of 1,439,824 alleles (0.00014%); highest among the groups gnomAD compares: African/African-American, 0.003%; no homozygotes.

Submission:

GeneDx
Classification: Likely benign. Last evaluated: 2018-01-30. Review status: criteria provided, single submitter. Criteria: GeneDx Variant Classification (06012015). Collection method: clinical testing. Allele origin: germline. Affected: yes.
Comment: This variant is considered likely benign or benign based on one or more of the following criteria: it is a conservative change, it occurs at a poorly conserved position in the protein, it is predicted to be benign by multiple in silico algorithms, and/or has population frequency not consistent with disease.